The following is an entry in ClinVar:

ClinVar aggregate classification (germline): Uncertain significance (1 of 4 stars; one submission).

Conditions:
Dyskeratosis congenita, autosomal recessive 6 (DKCB6). Identifiers: MedGen C4225356, MONDO:0014600, OMIM 616353.
Pulmonary fibrosis and/or bone marrow failure, Telomere-related, 4. Also called: PULMONARY FIBROSIS AND/OR BONE MARROW FAILURE SYNDROME, TELOMERE-RELATED, 4. Identifiers: Orphanet 2032, MedGen C4225347, MONDO:0014612, OMIM 616371.

Submission:

Labcorp Genetics (formerly Invitae), Labcorp
Classification: Uncertain significance for Dyskeratosis congenita, autosomal recessive 6; Pulmonary fibrosis and/or bone marrow failure, Telomere-related, 4. Last evaluated: 2021-11-08. Review status: criteria provided, single submitter. Criteria: Invitae Variant Classification Sherloc (09022015). Collection method: clinical testing. Allele origin: germline.
Comment: In summary, the available evidence is currently insufficient to determine the role of this variant in disease. Therefore, it has been classified as a Variant of Uncertain Significance. Algorithms developed to predict the effect of missense changes on protein structure and function (SIFT, PolyPhen-2, Align-GVGD) all suggest that this variant is likely to be disruptive. This variant has not been reported in the literature in individuals affected with PARN-related conditions. This variant is not present in population databases (gnomAD no frequency). This sequence change replaces isoleucine, which is neutral and non-polar, with asparagine, which is neutral and polar, at codon 113 of the PARN protein (p.Ile113Asn).

NM_002582.4(PARN):c.338T>A (p.Ile113Asn)

Gene: PARN (poly(A)-specific ribonuclease; minus strand). Cytogenetic location: 16p13.12.
Variant type: single nucleotide variant.
Coding change: c.338T>A on transcript NM_002582.4 (MANE Select); coding-DNA position 338, T replaced by A.
Protein change: p.Ile113Asn; replaces isoleucine 113 with asparagine.
Molecular consequence: missense variant.
Genome position (GRCh38, 1-based): chr16:14,617,640, A>T on the plus strand (T>A on the coding strand, the complement: PARN is on the minus strand). VCF-style: chr16-14617640-A-T. GRCh37 (hg19) VCF-style: chr16-14711497-A-T.
Other names: c.155T>A, p.Ile52Asn (NM_001134477.3); c.200T>A, p.Ile67Asn (NM_001242992.2); short protein forms I52N, I113N, I67N.
Identifiers: ClinVar variation 1433228 (VCV001433228.6), dbSNP rs376765477, ClinGen allele CA394813246.
Genomic context (GRCh38, chr16:14,617,640, plus strand): 5'-ATAATCTTACCATTTCGAAAAACTTTATTAAAATCAAATCCCTGGCTTGCTAGAAAGTCA[A>T]TGCTGGAGCTCTGAAACAGAGTAAACAGAACACATGTTTTGGGGATGTTAGCGGCAGGAA-3'
Protein context (NP_002573.1, residues 103-123): DVKFVCQSSS[Ile113Asn]DFLASQGFDF